The following is an entry in ClinVar:

ClinVar aggregate classification (germline): Uncertain significance (1 of 4 stars; one submission).

Submission:

ARUP Laboratories, Molecular Genetics and Genomics, ARUP Laboratories
Classification: Uncertain significance. Last evaluated: 2022-06-28. Review status: criteria provided, single submitter. Criteria: ARUP Molecular Germline Variant Investigation Process 2021. Collection method: clinical testing. Allele origin: germline.
Comment: The EYA4 c.529G>T; p.Val177Phe variant, to our knowledge, is not reported in the medical literature or gene specific databases. This variant is also absent from the Genome Aggregation Database, indicating it is not a common polymorphism. The valine at codon 177 is highly conserved, and computational analyses are uncertain whether this variant is neutral or deleterious (REVEL: 0.532). Due to limited information, the clinical significance of this variant is uncertain at this time.

NM_004100.5(EYA4):c.529G>T (p.Val177Phe)

Gene: EYA4 (EYA transcriptional coactivator and phosphatase 4; plus strand). Cytogenetic location: 6q23.2.
Variant type: single nucleotide variant.
Coding change: c.529G>T on transcript NM_004100.5 (MANE Select); coding-DNA position 529, G replaced by T.
Protein change: p.Val177Phe; replaces valine 177 with phenylalanine.
Molecular consequence: missense variant.
Genome position (GRCh38, 1-based): chr6:133,462,426, G>T. VCF-style: chr6-133462426-G-T. GRCh37 (hg19) VCF-style: chr6-133783564-G-T.
Other names: c.367G>T, p.Val123Phe (NM_001301012.2, NM_001370459.1); c.529G>T, p.Val177Phe (NM_001301013.2, NM_172105.4); c.460G>T, p.Val154Phe (NM_001370458.1, NM_172103.4); short protein forms V123F, V154F, V177F.
Identifiers: ClinVar variation 2428533 (VCV002428533.3), dbSNP rs776409783, ClinGen allele CA365698168.